The following is an entry in ClinVar:

NM_001384910.1(GUCA1A):c.201+5G>T

Genes: GUCA1A (guanylate cyclase activator 1A; plus strand), GUCA1ANB-GUCA1A (GUCA1ANB-GUCA1A readthrough; plus strand). Cytogenetic location: 6p21.1.
Variant type: single nucleotide variant.
Coding change: c.201+5G>T on transcript NM_001384910.1 (MANE Select); 5 bases into the intron after coding-DNA position 201, G replaced by T.
Molecular consequence: intron variant.
Genome position (GRCh38, 1-based): chr6:42,173,819, G>T. VCF-style: chr6-42173819-G-T. GRCh37 (hg19) VCF-style: chr6-42141557-G-T.
Other names: c.201+5G>T (NM_001319061.2, NM_000409.5, NM_001319062.2).
Identifiers: ClinVar variation 1500269 (VCV001500269.6), dbSNP rs369964888, ClinGen allele CA567149283.
Genomic context (GRCh38, chr6:42,173,819, plus strand): 5'-GCCCGTCGGCCAGCCAGTACGTGGAACAGATGTTTGAGACTTTTGACTTCAACAAGGTGA[G>T]CAGGGGCCCAGTGGCAGGGAGGGGAAGTGCTGGAGGGACCCCTCTGGAAGCCTGACCAGC-3'

ClinVar aggregate classification (germline): Uncertain significance (1 of 4 stars; one submission).

gnomAD v4.1: 2 of 1,609,870 alleles (0.00012%); highest among the groups gnomAD compares: Middle Eastern, 0.017%; no homozygotes.

Submission:

Labcorp Genetics (formerly Invitae), Labcorp
Classification: Uncertain significance. Last evaluated: 2021-06-19. Review status: criteria provided, single submitter. Criteria: Invitae Variant Classification Sherloc (09022015). Collection method: clinical testing. Allele origin: germline.
Comment: This variant has not been reported in the literature in individuals affected with GUCA1A-related conditions. In summary, the available evidence is currently insufficient to determine the role of this variant in disease. Therefore, it has been classified as a Variant of Uncertain Significance. Nucleotide substitutions within the consensus splice site are a relatively common cause of aberrant splicing (PMID: 17576681, 9536098). Experimental studies and prediction algorithms are not available or were not evaluated, and the effect of this variant on mRNA splicing is currently unknown. This variant is not present in population databases (ExAC no frequency). This sequence change falls in intron 3 of the GUCA1A gene. It does not directly change the encoded amino acid sequence of the GUCA1A protein. It affects a nucleotide within the consensus splice site of the intron.

Literature cited by the submitters: PubMed 17576681; PubMed 9536098.